The following is an entry in ClinVar:

NM_022915.5(MRPL44):c.1A>C (p.Met1Leu)

Genes: MRPL44 (mitochondrial ribosomal protein L44; plus strand), LOC129935704 (ATAC-STARR-seq lymphoblastoid active region 17184; plus strand). Cytogenetic location: 2q36.1.
Variant type: single nucleotide variant.
Coding change: c.1A>C on transcript NM_022915.5 (MANE Select); coding-DNA position 1, A replaced by C.
Protein change: p.Met1Leu; changes the start codon (methionine 1).
Molecular consequence: missense variant, initiator codon variant.
Genome position (GRCh38, 1-based): chr2:223,957,473, A>C. VCF-style: chr2-223957473-A-C. GRCh37 (hg19) VCF-style: chr2-224822190-A-C.
Other names: short protein forms M1L.
Identifiers: ClinVar variation 4540000 (VCV004540000.1).

ClinVar aggregate classification (germline): Likely pathogenic (1 of 4 stars; one submission).

Submission:

GeneDx
Classification: Likely pathogenic. Last evaluated: 2025-06-27. Review status: criteria provided, single submitter. Criteria: GeneDx Variant Classification Process June 2021. Collection method: clinical testing. Allele origin: germline. Affected: yes.
Comment: Initiation codon variant in a gene for which loss of function is a known mechanism of disease; Not observed at significant frequency in large population cohorts (gnomAD); Has not been previously published as pathogenic or benign to our knowledge